The following is an entry in ClinVar:

ClinVar aggregate classification (germline): Uncertain significance. Review status: criteria provided, multiple submitters, no conflicts (2 of 4 stars). 5 submissions from 5 submitters: Uncertain significance (4). 1 of the submissions does not count toward it. Last evaluated 2025-11-26.

Conditions:
MAGEL2-related disorder. Also called: MAGEL2-related condition.
Inborn genetic diseases. Identifiers: MedGen C0950123, MeSH D030342.
Prader-Willi syndrome (PWS). Identifiers: Orphanet 739, MedGen C0032897, MONDO:0008300, OMIM 176270. Disease mechanism: loss of function, Microdeletion. Inheritance: Microdletion.
Schaaf-Yang syndrome (SHFYNG). Also called: MAGEL2-related Prader-Willi-like syndrome; Arthrogryposis, distal, with hypopituitarism, intellectual disability, and facial anomalies. Identifiers: Orphanet 398069, MedGen C5575066, MONDO:0014243, OMIM 615547.

Allele frequency attached by ClinVar (database versions not stated): 1000 Genomes Project 30x 0.00016.

Submissions (5):

Ambry Genetics
Classification: Uncertain significance for Inborn genetic diseases. Last evaluated: 2025-11-26. Review status: criteria provided, single submitter. Criteria: Ambry Variant Classification Scheme 2023. Collection method: clinical testing. Allele origin: germline.
Comment: The c.1922C>T (p.P641L) alteration is located in exon 1 (coding exon 1) of the MAGEL2 gene. This alteration results from a C to T substitution at nucleotide position 1922, causing the proline (P) at amino acid position 641 to be replaced by a leucine (L). Based on data from gnomAD, the T allele has an overall frequency of <0.001% (1/193442) total alleles studied. The highest observed frequency was 0.004% (1/25864) of South Asian alleles. Based on insufficient or conflicting evidence, the clinical significance of this alteration remains unclear.

Labcorp Genetics (formerly Invitae), Labcorp
Classification: Uncertain significance. Last evaluated: 2024-12-15. Review status: criteria provided, single submitter. Criteria: Invitae Variant Classification Sherloc (09022015). Collection method: clinical testing. Allele origin: germline.
Comment: This sequence change replaces proline, which is neutral and non-polar, with leucine, which is neutral and non-polar, at codon 641 of the MAGEL2 protein (p.Pro641Leu). The frequency data for this variant in the population databases is considered unreliable, as metrics indicate poor data quality at this position in the gnomAD database. This variant has not been reported in the literature in individuals affected with MAGEL2-related conditions. ClinVar contains an entry for this variant (Variation ID: 2627154). Invitae Evidence Modeling of protein sequence and biophysical properties (such as structural, functional, and spatial information, amino acid conservation, physicochemical variation, residue mobility, and thermodynamic stability) indicates that this missense variant is not expected to disrupt MAGEL2 protein function with a negative predictive value of 80%. In summary, the available evidence is currently insufficient to determine the role of this variant in disease. Therefore, it has been classified as a Variant of Uncertain Significance.

Women's Health and Genetics/Laboratory Corporation of America, LabCorp
Classification: Uncertain significance. Last evaluated: 2023-09-07. Review status: criteria provided, single submitter. Criteria: LabCorp Variant Classification Summary - May 2015. Collection method: clinical testing. Allele origin: germline.
Comment: Variant summary: MAGEL2 c.1922C>T (p.Pro641Leu) results in a non-conservative amino acid change in the encoded protein sequence. Two of three in-silico tools predict a damaging effect of the variant on protein function. The variant allele was found at a frequency of 5.2e-06 in 193442 control chromosomes (gnomAD). The available data on variant occurrences in the general population are insufficient to allow any conclusion about variant significance. To our knowledge, no occurrence of c.1922C>T in individuals affected with Schaaf-Yang Syndrome and no experimental evidence demonstrating its impact on protein function have been reported. No submitters have cited clinical-significance assessments for this variant to ClinVar after 2014. Based on the evidence outlined above, the variant was classified as uncertain significance.

Department of Pathology and Laboratory Medicine, Sinai Health System
Classification: Uncertain significance for Prader-Willi syndrome; Schaaf-Yang syndrome. Last evaluated: 2022-06-22. Review status: criteria provided, single submitter. Criteria: ACMG Guidelines, 2015. Collection method: research. Allele origin: germline.

PreventionGenetics, part of Exact Sciences
Classification: Uncertain significance for MAGEL2-related condition. Last evaluated: 2024-03-06. Review status: no assertion criteria provided. Collection method: clinical testing. Allele origin: germline. Not counted in ClinVar's aggregate classification.
Comment: The MAGEL2 c.1922C>T variant is predicted to result in the amino acid substitution p.Pro641Leu. To our knowledge, this variant has not been reported in the literature. This variant is reported in 0.0039% of alleles in individuals of South Asian descent in gnomAD. At this time, the clinical significance of this variant is uncertain due to the absence of conclusive functional and genetic evidence.

NM_019066.5(MAGEL2):c.1922C>T (p.Pro641Leu)

Gene: MAGEL2 (MAGE family member L2; minus strand). Cytogenetic location: 15q11.2.
Variant type: single nucleotide variant.
Coding change: c.1922C>T on transcript NM_019066.5 (MANE Select); coding-DNA position 1922, C replaced by T.
Protein change: p.Pro641Leu; replaces proline 641 with leucine.
Molecular consequence: missense variant.
Genome position (GRCh38, 1-based): chr15:23,645,821, G>A on the plus strand (C>T on the coding strand, the complement: MAGEL2 is on the minus strand). VCF-style: chr15-23645821-G-A. GRCh37 (hg19) VCF-style: chr15-23890968-G-A.
Other names: short protein forms P641L.
Identifiers: ClinVar variation 2627154 (VCV002627154.6), dbSNP rs556296973, ClinGen allele CA391333041.